The following is an entry in ClinVar:

NM_001329943.3(KIAA0586):c.3805C>A (p.Leu1269Met)

Gene: KIAA0586 (KIAA0586; plus strand). Cytogenetic location: 14q23.1.
Variant type: single nucleotide variant.
Coding change: c.3805C>A on transcript NM_001329943.3 (MANE Select); coding-DNA position 3805, C replaced by A.
Protein change: p.Leu1269Met; replaces leucine 1269 with methionine.
Molecular consequence: missense variant.
Genome position (GRCh38, 1-based): chr14:58,490,187, C>A. VCF-style: chr14-58490187-C-A. GRCh37 (hg19) VCF-style: chr14-58956905-C-A.
Other names: c.3964C>A, p.Leu1322Met (NM_001244189.2); c.3760C>A, p.Leu1254Met (NM_001244190.2); c.3550C>A, p.Leu1184Met (NM_001244191.2, NM_001329945.2, NM_001364700.1 and 1 more transcripts); c.3673C>A, p.Leu1225Met (NM_001244192.2); c.3385C>A, p.Leu1129Met (NM_001244193.2); c.3805C>A, p.Leu1269Met (NM_001329944.2, NM_001329946.2, NM_001329947.2); c.3577C>A, p.Leu1193Met (NM_014749.5); short protein forms L1129M, L1193M, L1225M, L1254M, L1322M, L1184M, L1269M.
Identifiers: ClinVar variation 2227909 (VCV002227909.2), dbSNP rs377000129, ClinGen allele CA7206266.
Genomic context (GRCh38, chr14:58,490,187, plus strand): 5'-CTTTTTTTTTTCTAAACTTTTATATTTTAATTTCTAGTTTTAGAAGATATAGGACTGTAC[C>A]TGACAAACCTTAATGATAGCTTATCCAGCACTCTGCATGATGCCGTTGAAATGGTAAGTA-3'
Protein context (NP_001316872.1, residues 1259-1279): PKILEDIGLY[Leu1269Met]TNLNDSLSST

ClinVar aggregate classification (germline): Uncertain significance (1 of 4 stars; one submission).

Conditions:
Inborn genetic diseases. Identifiers: MedGen C0950123, MeSH D030342.

Allele frequency attached by ClinVar (database versions not stated): TOPMed below 0.00001; gnomAD 0.00001; ExAC 0.00008; ESP Exome Variant Server 0.00008.
gnomAD v4.1: 3 of 1,520,074 alleles (0.0002%); highest among the groups gnomAD compares: East Asian, 0.0024%; no homozygotes.

Submission:

Ambry Genetics
Classification: Uncertain significance for Inborn genetic diseases. Last evaluated: 2020-11-13. Review status: criteria provided, single submitter. Criteria: Ambry Variant Classification Scheme 2023. Collection method: clinical testing. Allele origin: germline.
Comment: The c.3577C>A (p.L1193M) alteration is located in coding exon 24 of the KIAA0586 gene. This alteration results from a C to A substitution at nucleotide position 3577, causing the leucine (L) at amino acid position 1193 to be replaced by a methionine (M). Based on data from the Genome Aggregation Database (gnomAD) database, the KIAA0586 c.3577C>A alteration was observed in 0.0012% (2/166754) of total alleles studied. This amino acid position is not well conserved in available vertebrate species. The p.L1193M alteration is predicted to be tolerated by in silico analysis. Based on insufficient or conflicting evidence, the clinical significance of this alteration remains unclear.